The following is an entry in ClinVar:

ClinVar aggregate classification (germline): Uncertain significance (1 of 4 stars; one submission).

Allele frequency attached by ClinVar (database versions not stated): TOPMed below 0.00001; gnomAD 0.00001.
gnomAD v4.1: 3 of 1,614,146 alleles (0.00019%); highest among the groups gnomAD compares: Non-Finnish European, 0.00025%; no homozygotes.

Submission:

GeneDx
Classification: Uncertain significance. Last evaluated: 2023-12-09. Review status: criteria provided, single submitter. Criteria: GeneDx Variant Classification Process June 2021. Collection method: clinical testing. Allele origin: germline. Affected: yes.
Comment: Not observed at significant frequency in large population cohorts (gnomAD); In silico analysis supports that this missense variant has a deleterious effect on protein structure/function; Has not been previously published as pathogenic or benign to our knowledge

NM_207037.2(TCF12):c.2035T>C (p.Ser679Pro)

Gene: TCF12 (transcription factor 12; plus strand). Cytogenetic location: 15q21.3.
Variant type: single nucleotide variant.
Coding change: c.2035T>C on transcript NM_207037.2 (MANE Select); coding-DNA position 2035, T replaced by C.
Protein change: p.Ser679Pro; replaces serine 679 with proline.
Molecular consequence: missense variant.
Genome position (GRCh38, 1-based): chr15:57,282,501, T>C. VCF-style: chr15-57282501-T-C. GRCh37 (hg19) VCF-style: chr15-57574699-T-C.
Other names: c.1525T>C, p.Ser509Pro (NM_001306219.3); c.1255T>C, p.Ser419Pro (NM_001306220.3); c.2035T>C, p.Ser679Pro (NM_001322151.2, NM_001322159.3, NM_001322162.2 and 1 more transcripts); c.2032T>C, p.Ser678Pro (NM_001322152.2, NM_001322161.2); c.1378T>C, p.Ser460Pro (NM_001322154.2); c.1861T>C, p.Ser621Pro (NM_001322156.2); c.1963T>C, p.Ser655Pro (NM_001322157.3, NM_001322165.2, NM_003205.4 and 1 more transcripts); c.1789T>C, p.Ser597Pro (NM_001322158.2); and 2 more; short protein forms S419P, S460P, S485P, S509P, S597P, S621P, S655P, S667P.
Identifiers: ClinVar variation 3253132 (VCV003253132.1), dbSNP rs1854351153.